The following is an entry in ClinVar:

NM_001042492.3(NF1):c.1715A>G (p.Glu572Gly)

Gene: NF1 (neurofibromin 1; plus strand). Cytogenetic location: 17q11.2.
Variant type: single nucleotide variant.
Coding change: c.1715A>G on transcript NM_001042492.3 (MANE Select); coding-DNA position 1715, A replaced by G.
Protein change: p.Glu572Gly; replaces glutamic acid 572 with glycine.
Molecular consequence: missense variant.
Genome position (GRCh38, 1-based): chr17:31,221,923, A>G. VCF-style: chr17-31221923-A-G. GRCh37 (hg19) VCF-style: chr17-29548941-A-G.
Other names: c.1715A>G, p.Glu572Gly (NM_000267.4, NM_001128147.3); short protein forms E572G.
Identifiers: ClinVar variation 3238440 (VCV003238440.1), dbSNP rs2144004871.

ClinVar aggregate classification (germline): Uncertain significance (1 of 4 stars; one submission).

Conditions:
Hereditary cancer-predisposing syndrome. Also called: Neoplastic Syndromes, Hereditary; Tumor predisposition; Hereditary neoplastic syndrome; Hereditary Cancer Syndrome. Identifiers: Orphanet 140162, MedGen C0027672, MeSH D009386, MONDO:0015356.
Cardiovascular phenotype. Identifiers: MedGen CN230736.

Submission:

Ambry Genetics
Classification: Uncertain significance for Cardiovascular phenotype; Hereditary cancer-predisposing syndrome. Last evaluated: 2023-08-25. Review status: criteria provided, single submitter. Criteria: Ambry Variant Classification Scheme 2023. Collection method: clinical testing. Allele origin: germline.
Comment: The p.E572G variant (also known as c.1715A>G), located in coding exon 15 of the NF1 gene, results from an A to G substitution at nucleotide position 1715. The glutamic acid at codon 572 is replaced by glycine, an amino acid with similar properties. This amino acid position is conserved. In addition, this alteration is predicted to be tolerated by in silico analysis. Since supporting evidence is limited at this time, the clinical significance of this alteration remains unclear.